The following is an entry in ClinVar:

NM_018993.4(RIN2):c.2031C>A (p.Val677=)

Gene: RIN2 (Ras and Rab interactor 2; plus strand). Cytogenetic location: 20p11.23.
Variant type: single nucleotide variant.
Coding change: c.2031C>A on transcript NM_018993.4 (MANE Select); coding-DNA position 2031, C replaced by A.
Protein change: p.Val677=; no amino-acid change (valine 677 retained).
Molecular consequence: synonymous variant.
Genome position (GRCh38, 1-based): chr20:19,990,274, C>A. VCF-style: chr20-19990274-C-A. GRCh37 (hg19) VCF-style: chr20-19970918-C-A.
Other names: c.2178C>A, p.Val726= (NM_001242581.2); c.1413C>A, p.Val471= (NM_001378238.1); c.2178C>A (NM_001242581.1).
Identifiers: ClinVar variation 390362 (VCV000390362.12), dbSNP rs186712522, ClinGen allele CA9780186.
Genomic context (GRCh38, chr20:19,990,274, plus strand): 5'-GTTCATGACCATGCAGAAGATGTATTCGCCGGAAAAGAAGGTCATGCTGCTGCTGCGGGT[C>A]TGCAAGCTCATTTACACGGTCATGGAGAACAACTCAGGTGAGGCCGCTGGAAGCCCAGGC-3'
Protein context (NP_061866.1, residues 667-687): PEKKVMLLLR[Val677=]CKLIYTVMEN

ClinVar aggregate classification (germline): Conflicting classifications of pathogenicity. Review status: criteria provided, conflicting classifications (1 of 4 stars). 4 submissions from 4 submitters: Uncertain significance (1); Likely benign (2). 1 of the submissions does not count toward it. Last evaluated 2026-01-08.

Conditions:
RIN2-related disorder. Also called: RIN2-related condition.

Allele frequency attached by ClinVar (database versions not stated): gnomAD exomes 0.00031 and 0.00041; ExAC 0.00032; ESP Exome Variant Server 0.00032; gnomAD 0.00035 and 0.00037; 1000 Genomes Project 0.00060; TOPMed 0.00067; 1000 Genomes Project 30x 0.00094.
gnomAD v4.1: 527 of 1,613,734 alleles (0.033%); highest among the groups gnomAD compares: Admixed American, 0.21%; no homozygotes.

Submissions (4):

Labcorp Genetics (formerly Invitae), Labcorp
Classification: Likely benign. Last evaluated: 2026-01-08. Review status: criteria provided, single submitter. Criteria: Invitae Variant Classification Sherloc (09022015). Collection method: clinical testing. Allele origin: germline.

Blueprint Genetics
Classification: Likely benign. Last evaluated: 2024-10-07. Review status: criteria provided, single submitter. Criteria: ACMG Guidelines, 2015. Collection method: clinical testing. Allele origin: germline.

GeneDx
Classification: Uncertain significance. Last evaluated: 2024-04-03. Review status: criteria provided, single submitter. Criteria: GeneDx Variant Classification Process June 2021. Collection method: clinical testing. Allele origin: germline. Affected: yes.
Comment: Has not been previously published as pathogenic or benign to our knowledge; In silico analysis suggests this variant may impact gene splicing. In the absence of RNA/functional studies, the actual effect of this sequence change is unknown.

PreventionGenetics, part of Exact Sciences
Classification: Likely benign for RIN2-related condition. Last evaluated: 2022-12-09. Review status: no assertion criteria provided. Collection method: clinical testing. Allele origin: germline. Not counted in ClinVar's aggregate classification.
Comment: This variant is classified as likely benign based on ACMG/AMP sequence variant interpretation guidelines (Richards et al. 2015 PMID: 25741868, with internal and published modifications).